The following is an entry in ClinVar:

NM_000535.7(PMS2):c.251-19_251-16del

Gene: PMS2 (PMS1 homolog 2, mismatch repair system component; minus strand). Cytogenetic location: 7p22.1.
Variant type: Deletion.
Coding change: c.251-19_251-16del on transcript NM_000535.7 (MANE Select); 19 bases into the intron before coding-DNA position 251 through 16 bases into the intron before coding-DNA position 251, 4 bases deleted (ACTT; older notation c.251-19_251-16delACTT).
Molecular consequence: intron variant. On other transcripts: frameshift variant (1).
Genome position (GRCh38, 1-based): chr7:6,003,808-6,003,811, AAGT deleted on the plus strand (ACTT on the coding strand, the reverse complement: PMS2 is on the minus strand); deleting any 4 consecutive bases within chr7:6,003,808-6,003,814 gives the same sequence; the c. name uses the placement nearest the transcript's 3' end. VCF-style (leftmost placement, unchanged base first): chr7-6003807-AAAGT-A. GRCh37 (hg19) VCF-style: chr7-6043438-AAAGT-A.
Other names: c.253_256delCTTA, p.Thr86Tyrfs (NM_001406868.1); c.35+161_35+164del (NM_001322008.2, NM_001322007.2); c.-155-19_-155-16del (NM_001322010.2, NM_001322004.2, NM_001322013.2 and 3 more transcripts); c.-634-19_-634-16del (NM_001322012.2, NM_001322011.2); c.-234-19_-234-16del (NM_001322015.2); c.251-19_251-16del (NM_001322006.2, NM_001322014.2).
Identifiers: ClinVar variation 2191659 (VCV002191659.7), dbSNP rs1275659499, ClinGen allele CA840352500.

ClinVar aggregate classification (germline): Likely benign. Review status: criteria provided, multiple submitters, no conflicts (2 of 4 stars). 3 submissions from 3 submitters: Likely benign (3). Last evaluated 2026-01-10.

Conditions:
Hereditary nonpolyposis colorectal neoplasms. Identifiers: MedGen C0009405, MeSH D003123.
Lynch syndrome 4 (LYNCH4). Also called: Hereditary non-polyposis colorectal cancer, type 4; Colorectal cancer, hereditary nonpolyposis, type 4. Identifiers: Orphanet 144, MedGen C1838333, MONDO:0013699, OMIM 614337. Disease mechanism: loss of function.
Hereditary cancer-predisposing syndrome. Also called: Hereditary Cancer Syndrome; Tumor predisposition; Hereditary neoplastic syndrome; Neoplastic Syndromes, Hereditary. Identifiers: Orphanet 140162, MedGen C0027672, MeSH D009386, MONDO:0015356.

Submissions (3):

Labcorp Genetics (formerly Invitae), Labcorp
Classification: Likely benign for Hereditary nonpolyposis colorectal neoplasms. Last evaluated: 2026-01-10. Review status: criteria provided, single submitter. Criteria: Invitae Variant Classification Sherloc (09022015). Collection method: clinical testing. Allele origin: germline.

Myriad Genetics, Inc.
Classification: Likely benign for Lynch syndrome 4. Last evaluated: 2025-01-23. Review status: criteria provided, single submitter. Criteria: Myriad Autosomal Dominant, Autosomal Recessive and X-Linked Classification Criteria (2023). Collection method: clinical testing. Allele origin: unknown.
Comment: This variant is considered likely benign. This variant is intronic and is not expected to impact mRNA splicing.

Color Diagnostics, LLC DBA Color Health
Classification: Likely benign for Hereditary cancer-predisposing syndrome. Last evaluated: 2022-05-31. Review status: criteria provided, single submitter. Criteria: ACMG Guidelines, 2015. Collection method: clinical testing. Allele origin: germline.